The following is an entry in ClinVar:

NM_014974.3(DIP2C):c.3169G>A (p.Val1057Ile)

Gene: DIP2C (DIP2 acetate--CoA ligase C (putative); minus strand). Cytogenetic location: 10p15.3.
Variant type: single nucleotide variant.
Coding change: c.3169G>A on transcript NM_014974.3 (MANE Select); coding-DNA position 3169, G replaced by A.
Protein change: p.Val1057Ile; replaces valine 1057 with isoleucine.
Molecular consequence: missense variant.
Genome position (GRCh38, 1-based): chr10:348,703, C>T on the plus strand (G>A on the coding strand, the complement: DIP2C is on the minus strand). VCF-style: chr10-348703-C-T. GRCh37 (hg19) VCF-style: chr10-394643-C-T.
Other names: short protein forms V1057I.
Identifiers: ClinVar variation 4753141 (VCV004753141.1).

ClinVar aggregate classification (germline): Uncertain significance (1 of 4 stars; one submission).

gnomAD v4.1: 44 of 1,613,860 alleles (0.0027%); highest among the groups gnomAD compares: Admixed American, 0.0067%; no homozygotes.

Submission:

Labcorp Genetics (formerly Invitae), Labcorp
Classification: Uncertain significance. Last evaluated: 2025-02-27. Review status: criteria provided, single submitter. Criteria: Invitae Variant Classification Sherloc (09022015). Collection method: clinical testing. Allele origin: germline.
Comment: This sequence change replaces valine, which is neutral and non-polar, with isoleucine, which is neutral and non-polar, at codon 1057 of the DIP2C protein (p.Val1057Ile). This variant is present in population databases (no rsID available, gnomAD 0.009%). This variant has not been reported in the literature in individuals affected with DIP2C-related conditions. An algorithm developed to predict the effect of missense changes on protein structure and function (PolyPhen-2) suggests that this variant is likely to be tolerated. In summary, the available evidence is currently insufficient to determine the role of this variant in disease. Therefore, it has been classified as a Variant of Uncertain Significance.